The following is an entry in ClinVar:

ClinVar aggregate classification (germline): Benign. Review status: criteria provided, multiple submitters, no conflicts (2 of 4 stars). 2 submissions from 2 submitters: Benign (2). Last evaluated 2015-12-02.

Allele frequency attached by ClinVar (database versions not stated): 1000 Genomes Project 30x 0.42661; gnomAD 0.39834; TOPMed 0.40340; 1000 Genomes Project 0.42792; ExAC 0.48364.

Submissions (2):

GeneDx
Classification: Benign. Last evaluated: 2015-12-02. Review status: criteria provided, single submitter. Criteria: GeneDx Variant Classification (06012015). Collection method: clinical testing. Allele origin: germline. Affected: yes.
Comment: This variant is considered likely benign or benign based on one or more of the following criteria: it is a conservative change, it occurs at a poorly conserved position in the protein, it is predicted to be benign by multiple in silico algorithms, and/or has population frequency not consistent with disease.

Breakthrough Genomics
Classification: Benign. Review status: criteria provided, single submitter. Criteria: ACMG Guidelines, 2015. Collection method: not provided. Allele origin: germline. Inheritance: Autosomal recessive inheritance. Affected: yes.

NM_016417.2(GLRX5):c.-44A>C

Gene: GLRX5 (glutaredoxin 5; plus strand). Cytogenetic location: 14q32.13.
Variant type: single nucleotide variant.
Coding change: c.-44A>C on transcript NM_016417.2; 44 bases upstream of the start codon, A replaced by C.
Genome position (GRCh38, 1-based): chr14:95,535,046, A>C. VCF-style: chr14-95535046-A-C. GRCh37 (hg19) VCF-style: chr14-96001383-A-C.
Identifiers: ClinVar variation 379973 (VCV000379973.4), dbSNP rs911681, ClinGen allele CA7333864.